The following is an entry in ClinVar:

ClinVar aggregate classification (germline): Likely pathogenic. Review status: criteria provided, multiple submitters, no conflicts (2 of 4 stars). 2 submissions from 2 submitters: Likely pathogenic (2). Last evaluated 2026-02-03.

Conditions:
Inborn genetic diseases. Identifiers: MedGen C0950123, MeSH D030342.

Submissions (2):

Ambry Genetics
Classification: Likely pathogenic for Inborn genetic diseases. Last evaluated: 2026-02-03. Review status: criteria provided, single submitter. Criteria: Ambry Variant Classification Scheme 2023. Collection method: clinical testing. Allele origin: germline.
Comment: The c.1631G>A (p.R544Q) alteration is located in coding exon 18 (exon 13) of the FOXP1 gene. This alteration results from a G to A substitution at nucleotide position 1631, causing the arginine (R) at amino acid position 544 to be replaced by a glutamine (Q). This variant was not reported in population-based cohorts in the Genome Aggregation Database (gnomAD). This variant was reported in individual(s) with features consistent with FOXP1-related neurodevelopmental disorder; in at least one individual, it was determined to be de novo (external communication). This amino acid position is highly conserved in available vertebrate species. This missense variant is located in a region that has a low rate of benign missense variation (Lek, 2016; Firth, 2009). This alteration is predicted to be deleterious by in silico analysis. Based on the available evidence, this alteration is classified as likely pathogenic.

GeneDx
Classification: Likely pathogenic. Last evaluated: 2025-08-20. Review status: criteria provided, single submitter. Criteria: GeneDx Variant Classification Process June 2021. Collection method: clinical testing. Allele origin: germline. Affected: yes.
Comment: Not observed at significant frequency in large population cohorts (gnomAD); In silico analysis supports that this missense variant has a deleterious effect on protein structure/function; Has not been previously published as pathogenic or benign to our knowledge

NM_001349338.3(FOXP1):c.1631G>A (p.Arg544Gln)

Gene: FOXP1 (forkhead box P1; minus strand). Cytogenetic location: 3p13.
Variant type: single nucleotide variant.
Coding change: c.1631G>A on transcript NM_001349338.3 (MANE Select); coding-DNA position 1631, G replaced by A.
Protein change: p.Arg544Gln; replaces arginine 544 with glutamine.
Molecular consequence: missense variant. On other transcripts: non-coding transcript variant (2), intron variant (1).
Genome position (GRCh38, 1-based): chr3:70,972,576, C>T on the plus strand (G>A on the coding strand, the complement: FOXP1 is on the minus strand). VCF-style: chr3-70972576-C-T. GRCh37 (hg19) VCF-style: chr3-71021727-C-T.
Other names: c.1628G>A, p.Arg543Gln (NM_001244808.3, NM_001349341.3); c.1403G>A, p.Arg468Gln (NM_001244812.3); c.1331G>A, p.Arg444Gln (NM_001244813.3, NM_001244815.2, NM_001349342.3); c.1631G>A, p.Arg544Gln (NM_001244814.3, NM_001244816.2, NM_001349340.3 and 1 more transcripts); c.1328G>A, p.Arg443Gln (NM_001349337.2, NM_001349343.3, NM_001349344.3 and 1 more transcripts); c.1531-396G>A (NM_001244810.2); short protein forms R443Q, R444Q, R468Q, R543Q, R544Q.
Identifiers: ClinVar variation 986000 (VCV000986000.8), dbSNP rs2036497448, ClinGen allele CA353491420.